The following is an entry in ClinVar:

NM_000834.5(GRIN2B):c.2607C>A (p.Tyr869Ter)

Gene: GRIN2B (glutamate ionotropic receptor NMDA type subunit 2B; minus strand). Cytogenetic location: 12p13.1.
Variant type: single nucleotide variant.
Coding change: c.2607C>A on transcript NM_000834.5 (MANE Select); coding-DNA position 2607, C replaced by A.
Protein change: p.Tyr869Ter; replaces tyrosine 869 with a stop codon.
Molecular consequence: nonsense.
Genome position (GRCh38, 1-based): chr12:13,564,631, G>T on the plus strand (C>A on the coding strand, the complement: GRIN2B is on the minus strand). VCF-style: chr12-13564631-G-T. GRCh37 (hg19) VCF-style: chr12-13717565-G-T.
Other names: c.2607C>A, p.Tyr869Ter (NM_001413992.1); short protein forms Y869*.
Identifiers: ClinVar variation 1793740 (VCV001793740.2), dbSNP rs2497471746, ClinGen allele CA383994784.
Genomic context (GRCh38, chr12:13,564,631, plus strand): 5'-TGCGGTGGGGGAGTTCATTACAGACTGGCGCTCCTCGATCGCCACCCCATGGATGCAGCT[G>T]TAGATACCCTGAAGCAAGAATGGAGGGACAGGTTAGATCTCCAGAGAGGCTAGAAATGAC-3'

ClinVar aggregate classification (germline): Pathogenic (1 of 4 stars; one submission).

Conditions:
Inborn genetic diseases. Identifiers: MedGen C0950123, MeSH D030342.

Submission:

Ambry Genetics
Classification: Pathogenic for Inborn genetic diseases. Last evaluated: 2019-12-13. Review status: criteria provided, single submitter. Criteria: Ambry Variant Classification Scheme 2023. Collection method: clinical testing. Allele origin: germline.
Comment: The p.Y869* pathogenic mutation (also known as c.2607C>A), located in coding exon 12 of the GRIN2B gene, results from a C to A substitution at nucleotide position 2607. This changes the amino acid from a tyrosine to a stop codon within coding exon 12. This alteration is expected to result in loss of function by premature protein truncation. Based on internal structural analysis, this variant is anticipated to disrupt a region of known function (Ambry internal data; Prybylowski K et al. Neuron, 2005 Sep;47:845-57; Sans N et al. Nat. Cell Biol., 2003 Jun;5:520-30; Hu C et al. J. Pharmacol. Sci., 2016 Oct;132:115-121; Sanz-Clemente A et al. Cell Rep, 2013 Mar;3:607-14). In addition, multiple individuals with GRIN2B-related neurodevelopmental disorder have been reported with similar truncations downstream of this alteration (Retterer K et al. Genet. Med., 2016 07;18:696-704; Platzer K et al. J. Med. Genet., 2017 07;54:460-470; Lindy AS et al. Epilepsia, 2018 05;59:1062-1071). Based on the available evidence, this variant is classified as a pathogenic mutation.

Literature cited by the submitters: PubMed 12738960; PubMed 16157279; PubMed 23478024; PubMed 26633542; PubMed 27818011; PubMed 28377535; PubMed 29655203.